The following is an entry in ClinVar:

NM_005006.7(NDUFS1):c.1393-221T>C

Gene: NDUFS1 (NADH:ubiquinone oxidoreductase core subunit S1; minus strand). Cytogenetic location: 2q33.3.
Variant type: single nucleotide variant.
Coding change: c.1393-221T>C on transcript NM_005006.7 (MANE Select); 221 bases into the intron before coding-DNA position 1393, T replaced by C.
Molecular consequence: intron variant.
Genome position (GRCh38, 1-based): chr2:206,133,326, A>G on the plus strand (T>C on the coding strand, the complement: NDUFS1 is on the minus strand). VCF-style: chr2-206133326-A-G. GRCh37 (hg19) VCF-style: chr2-206998050-A-G.
Other names: c.1060-221T>C (NM_001199982.2); c.1222-221T>C (NM_001199983.2); c.1285-221T>C (NM_001199981.2); c.1435-221T>C (NM_001199984.2).
Identifiers: ClinVar variation 683042 (VCV000683042.1), dbSNP rs4147720, ClinGen allele CA11170617.

ClinVar aggregate classification (germline): Benign (1 of 4 stars; one submission).

Allele frequency attached by ClinVar (database versions not stated): 1000 Genomes Project 0.46126; 1000 Genomes Project 30x 0.47533; gnomAD 0.49840 and 0.50670; TOPMed 0.50318.
gnomAD v4.1: 75,572 of 152,030 alleles (50%); highest among the groups gnomAD compares: African/African-American, 64%; 19,662 homozygotes.

Submission:

GeneDx
Classification: Benign. Last evaluated: 2018-06-14. Review status: criteria provided, single submitter. Criteria: GeneDx Variant Classification (06012015). Collection method: clinical testing. Allele origin: germline. Affected: yes.
Comment: This variant is considered likely benign or benign based on one or more of the following criteria: it is a conservative change, it occurs at a poorly conserved position in the protein, it is predicted to be benign by multiple in silico algorithms, and/or has population frequency not consistent with disease.